The following is an entry in ClinVar:

NM_001797.4(CDH11):c.1244G>C (p.Ser415Thr)

Gene: CDH11 (cadherin 11; minus strand). Cytogenetic location: 16q21.
Variant type: single nucleotide variant.
Coding change: c.1244G>C on transcript NM_001797.4 (MANE Select); coding-DNA position 1244, G replaced by C.
Protein change: p.Ser415Thr; replaces serine 415 with threonine.
Molecular consequence: missense variant.
Genome position (GRCh38, 1-based): chr16:64,982,057, C>G on the plus strand (G>C on the coding strand, the complement: CDH11 is on the minus strand). VCF-style: chr16-64982057-C-G. GRCh37 (hg19) VCF-style: chr16-65015960-C-G.
Other names: c.1244G>C, p.Ser415Thr (NM_001308392.2); c.866G>C, p.Ser289Thr (NM_001330576.2); short protein forms S289T, S415T.
Identifiers: ClinVar variation 5020338 (VCV005020338.1).

ClinVar aggregate classification (germline): Uncertain significance (1 of 4 stars; one submission).

Submission:

Dasa
Classification: Uncertain significance. Last evaluated: 2026-06-19. Review status: criteria provided, single submitter. Criteria: DASA Assertion Criteria. Collection method: clinical testing. Allele origin: germline.
Comment: NM_001797.4(CDH11):c.1244G>C (p.Ser415Thr) is a missense variant that results in the substitution of serine with threonine. This variant is absent from population databases. The currently available literature and clinical evidence are not sufficient to establish a definitive association between this variant and the reported condition. Therefore, this variant is classified as a variant of uncertain significance.